The following is an entry in ClinVar:

NM_199420.4(POLQ):c.7040G>C (p.Arg2347Pro)

Gene: POLQ (DNA polymerase theta; minus strand). Cytogenetic location: 3q13.33.
Variant type: single nucleotide variant.
Coding change: c.7040G>C on transcript NM_199420.4 (MANE Select); coding-DNA position 7040, G replaced by C.
Protein change: p.Arg2347Pro; replaces arginine 2347 with proline.
Molecular consequence: missense variant.
Genome position (GRCh38, 1-based): chr3:121,460,162, C>G on the plus strand (G>C on the coding strand, the complement: POLQ is on the minus strand). VCF-style: chr3-121460162-C-G. GRCh37 (hg19) VCF-style: chr3-121179009-C-G.
Other names: short protein forms R2347P.
Identifiers: ClinVar variation 1756842 (VCV001756842.2), dbSNP rs143352658, ClinGen allele CA2562281.
Genomic context (GRCh38, chr3:121,460,162, plus strand): 5'-TTCCACTCTGCTGCAATGCTCCTGAAAACATCAGCTCCAGTGTTTAACACTTGAATGAGA[C>G]GACGATCATGGGATAAATGAGCCAAGATCCTCAGTTCAAGCTGAGAGTAGTCAGCAGCCA-3'
Protein context (NP_955452.3, residues 2337-2357): RILAHLSHDR[Arg2347Pro]LIQVLNTGAD

ClinVar aggregate classification (germline): Uncertain significance (1 of 4 stars; one submission).

gnomAD v4.1: 18 of 1,612,938 alleles (0.0011%); highest among the groups gnomAD compares: African/African-American, 0.004%; no homozygotes.

Submission:

Ambry Genetics
Classification: Uncertain significance. Last evaluated: 2023-11-10. Review status: criteria provided, single submitter. Criteria: Ambry Variant Classification Scheme 2023. Collection method: clinical testing. Allele origin: germline.
Comment: The p.R2347P variant (also known as c.7040G>C), located in coding exon 25 of the POLQ gene, results from a G to C substitution at nucleotide position 7040. The arginine at codon 2347 is replaced by proline, an amino acid with dissimilar properties. This amino acid position is conserved. In addition, this alteration is predicted to be deleterious by in silico analysis. Since supporting evidence is limited at this time, the clinical significance of this alteration remains unclear.